The following is an entry in ClinVar:

NM_000632.4(ITGAM):c.1292T>G (p.Leu431Arg)

Gene: ITGAM (integrin subunit alpha M; plus strand). Cytogenetic location: 16p11.2.
Variant type: single nucleotide variant.
Coding change: c.1292T>G on transcript NM_000632.4 (MANE Select); coding-DNA position 1292, T replaced by G.
Protein change: p.Leu431Arg; replaces leucine 431 with arginine.
Molecular consequence: missense variant.
Genome position (GRCh38, 1-based): chr16:31,278,045, T>G. VCF-style: chr16-31278045-T-G. GRCh37 (hg19) VCF-style: chr16-31289366-T-G.
Other names: c.1292T>G, p.Leu431Arg (NM_001145808.2); short protein forms L431R.
Identifiers: ClinVar variation 3001844 (VCV003001844.3), dbSNP rs773193744, ClinGen allele CA8025490.
Genomic context (GRCh38, chr16:31,278,045, plus strand): 5'-TCTTACGGAACCGGGTGCAAAGCCTGGTTCTGGGGGCACCTCGATATCAGCACATCGGCC[T>G]GGTAGCGATGTTCAGGCAGAACACTGGCATGTGGGAGTCCAACGCTAATGTCAAGGGCAC-3'
Protein context (NP_000623.2, residues 421-441): LGAPRYQHIG[Leu431Arg]VAMFRQNTGM

ClinVar aggregate classification (germline): Uncertain significance (1 of 4 stars; one submission).

Allele frequency attached by ClinVar (database versions not stated): ExAC 0.00001; gnomAD exomes 0.00001; TOPMed below 0.00001.
gnomAD v4.1: 9 of 1,607,896 alleles (0.00056%); highest among the groups gnomAD compares: Non-Finnish European, 0.00076%; no homozygotes.

Submission:

Labcorp Genetics (formerly Invitae), Labcorp
Classification: Uncertain significance. Last evaluated: 2025-07-29. Review status: criteria provided, single submitter. Criteria: Invitae Variant Classification Sherloc (09022015). Collection method: clinical testing. Allele origin: germline.
Comment: This sequence change replaces leucine, which is neutral and non-polar, with arginine, which is basic and polar, at codon 431 of the ITGAM protein (p.Leu431Arg). This variant is present in population databases (rs773193744, gnomAD 0.0009%). This variant has not been reported in the literature in individuals affected with ITGAM-related conditions. ClinVar contains an entry for this variant (Variation ID: 3001844). An algorithm developed to predict the effect of missense changes on protein structure and function (PolyPhen-2) suggests that this variant is likely to be disruptive. In summary, the available evidence is currently insufficient to determine the role of this variant in disease. Therefore, it has been classified as a Variant of Uncertain Significance.